The following is an entry in ClinVar:

ClinVar aggregate classification (germline): Uncertain significance (1 of 4 stars; one submission).

Allele frequency attached by ClinVar (database versions not stated): gnomAD exomes below 0.00001; TOPMed 0.00001; ExAC 0.00002.
gnomAD v4.1: 5 of 1,613,816 alleles (0.00031%); highest among the groups gnomAD compares: East Asian, 0.0089%; no homozygotes.

Submission:

Labcorp Genetics (formerly Invitae), Labcorp
Classification: Uncertain significance. Last evaluated: 2022-11-03. Review status: criteria provided, single submitter. Criteria: Invitae Variant Classification Sherloc (09022015). Collection method: clinical testing. Allele origin: germline.
Comment: In summary, the available evidence is currently insufficient to determine the role of this variant in disease. Therefore, it has been classified as a Variant of Uncertain Significance. Algorithms developed to predict the effect of missense changes on protein structure and function are either unavailable or do not agree on the potential impact of this missense change (SIFT: "Deleterious"; PolyPhen-2: "Benign"; Align-GVGD: "Class C0"). This variant has not been reported in the literature in individuals affected with SUCO-related conditions. This variant is present in population databases (rs766681517, gnomAD 0.02%). This sequence change replaces isoleucine, which is neutral and non-polar, with methionine, which is neutral and non-polar, at codon 1130 of the SUCO protein (p.Ile1130Met).

NM_014283.5(SUCO):c.3390A>G (p.Ile1130Met)

Gene: SUCO (SUN domain containing ossification factor; plus strand). Cytogenetic location: 1q24.3.
Variant type: single nucleotide variant.
Coding change: c.3390A>G on transcript NM_014283.5 (MANE Select); coding-DNA position 3390, A replaced by G.
Protein change: p.Ile1130Met; replaces isoleucine 1130 with methionine.
Molecular consequence: missense variant.
Genome position (GRCh38, 1-based): chr1:172,609,884, A>G. VCF-style: chr1-172609884-A-G. GRCh37 (hg19) VCF-style: chr1-172579024-A-G.
Other names: c.2277A>G, p.Ile759Met (NM_001282750.2); c.1701A>G, p.Ile567Met (NM_001282751.2); c.3843A>G, p.Ile1281Met (NM_016227.4); short protein forms I1130M, I567M, I1281M, I759M.
Identifiers: ClinVar variation 1942079 (VCV001942079.5), dbSNP rs766681517, ClinGen allele CA1247350.